The following is an entry in ClinVar:

NM_020822.3(KCNT1):c.254+6G>C

Gene: KCNT1 (potassium sodium-activated channel subfamily T member 1; plus strand). Cytogenetic location: 9q34.3.
Variant type: single nucleotide variant.
Coding change: c.254+6G>C on transcript NM_020822.3 (MANE Select); 6 bases into the intron after coding-DNA position 254, G replaced by C.
Molecular consequence: intron variant.
Genome position (GRCh38, 1-based): chr9:135,714,726, G>C. VCF-style: chr9-135714726-G-C. GRCh37 (hg19) VCF-style: chr9-138606572-G-C.
Other names: c.110+12358G>C (NM_001272003.2).
Identifiers: ClinVar variation 1348067 (VCV001348067.6), dbSNP rs923032212, ClinGen allele CA201467915.

ClinVar aggregate classification (germline): Uncertain significance (1 of 4 stars; one submission).

Conditions:
Autosomal dominant nocturnal frontal lobe epilepsy 5. Also called: Epilepsy, nocturnal frontal lobe, 5; CILIARY DYSKINESIA, PRIMARY, 28, WITHOUT SITUS INVERSUS; CILIARY DYSKINESIA, PRIMARY, 28, WITH SITUS INVERSUS; KCNT1-Related Epilepsy. Identifiers: Orphanet 98784, MedGen C3554306, MONDO:0014002, OMIM 615005.
Developmental and epileptic encephalopathy, 14 (DEE14). Also called: Early infantile epileptic encephalopathy 14. Identifiers: Orphanet 293181, MedGen C3554195, MONDO:0013989, OMIM 614959.

Allele frequency attached by ClinVar (database versions not stated): TOPMed below 0.00001; gnomAD 0.00001 and 0.00002.
gnomAD v4.1: 3 of 1,381,298 alleles (0.00022%); highest among the groups gnomAD compares: African/African-American, 0.0034%; no homozygotes.

Submission:

Labcorp Genetics (formerly Invitae), Labcorp
Classification: Uncertain significance for Autosomal dominant nocturnal frontal lobe epilepsy 5; Developmental and epileptic encephalopathy, 14. Last evaluated: 2022-05-25. Review status: criteria provided, single submitter. Criteria: Invitae Variant Classification Sherloc (09022015). Collection method: clinical testing. Allele origin: germline.
Comment: In summary, the available evidence is currently insufficient to determine the role of this variant in disease. Therefore, it has been classified as a Variant of Uncertain Significance. Variants that disrupt the consensus splice site are a relatively common cause of aberrant splicing (PMID: 17576681, 9536098). Algorithms developed to predict the effect of sequence changes on RNA splicing suggest that this variant is not likely to affect RNA splicing. This variant has not been reported in the literature in individuals affected with KCNT1-related conditions. This variant is not present in population databases (gnomAD no frequency). This sequence change falls in intron 2 of the KCNT1 gene. It does not directly change the encoded amino acid sequence of the KCNT1 protein. It affects a nucleotide within the consensus splice site.

Literature cited by the submitters: PubMed 17576681; PubMed 9536098.